The following is an entry in ClinVar:

ClinVar aggregate classification (germline): Likely benign (1 of 4 stars; one submission).

gnomAD v4.1: 229 of 1,609,988 alleles (0.014%); highest among the groups gnomAD compares: Middle Eastern, 0.2%; 1 homozygote.

Submission:

CeGaT Center for Human Genetics Tuebingen
Classification: Likely benign. Last evaluated: 2025-09-01. Review status: criteria provided, single submitter. Criteria: CeGaT Center For Human Genetics Tuebingen Variant Classification Criteria Version 2. Collection method: clinical testing. Allele origin: germline. Affected: yes. Observed: 2 variant alleles.
Comment: ANO1: BS2

NM_018043.7(ANO1):c.692+8G>A

Gene: ANO1 (anoctamin 1; plus strand). Cytogenetic location: 11q13.3.
Variant type: single nucleotide variant.
Coding change: c.692+8G>A on transcript NM_018043.7 (MANE Select); 8 bases into the intron after coding-DNA position 692, G replaced by A.
Molecular consequence: intron variant.
Genome position (GRCh38, 1-based): chr11:70,104,158, G>A. VCF-style: chr11-70104158-G-A. GRCh37 (hg19) VCF-style: chr11-69950264-G-A.
Other names: c.815+8G>A (NM_001378092.1); c.692+8G>A (NM_001378093.1, NM_001378095.2, NM_001378094.2 and 1 more transcripts); c.593+8G>A (NM_001378097.2).
Identifiers: ClinVar variation 4084207 (VCV004084207.8).
Genomic context (GRCh38, chr11:70,104,158, plus strand): 5'-CCCCAGACCATGAAGAGACTCTCCTATCCCTTCTCCCGGGAGAAGCAGCATCTGTAAGTG[G>A]GGACCCCCAGCCTGCTCCCCAAAGGGTCCTGTGTGTGGGGATTTAACCTTCTAGCATGAG-3'